The following is an entry in ClinVar:

NM_000133.4(F9):c.86C>T (p.Thr29Ile)

Gene: F9 (coagulation factor IX; plus strand). Cytogenetic location: Xq27.1.
Variant type: single nucleotide variant.
Coding change: c.86C>T on transcript NM_000133.4 (MANE Select); coding-DNA position 86, C replaced by T.
Protein change: p.Thr29Ile; replaces threonine 29 with isoleucine.
Molecular consequence: missense variant.
Genome position (GRCh38, 1-based): chrX:139,530,850, C>T. VCF-style: chrX-139530850-C-T. GRCh37 (hg19) VCF-style: chrX-138613009-C-T.
Other names: NM_001313913.2:c.86C>T; c.86C>T, p.Thr29Ile (NM_001313913.2); short protein forms T29I.
Identifiers: ClinVar variation 2138734 (VCV002138734.8), dbSNP rs1927329129, ClinGen allele CA414434494.
Genomic context (GRCh38, chrX:139,530,850, plus strand): 5'-CAGAATCACCAGGCCTCATCACCATCTGCCTTTTAGGATATCTACTCAGTGCTGAATGTA[C>T]AGGTTTGTTTCCTTTTTTAAAATACATTGAGTATGCTTGCCTTTTAGATATAGAAATATC-3'
Protein context (NP_000124.1, residues 19-39): LLGYLLSAEC[Thr29Ile]VFLDHENANK

ClinVar aggregate classification (germline): Likely pathogenic. Review status: reviewed by expert panel (3 of 4 stars). 4 submissions from 4 submitters: Likely pathogenic (1). 3 of the submissions do not count toward it. Last evaluated 2024-11-01.

Conditions:
Thrombophilia, X-linked, due to factor 9 defect. Identifiers: MedGen C2749016, MONDO:0010432, OMIM 300807.
Hereditary factor IX deficiency disease (HEMB). Also called: PLASMA THROMBOPLASTIN COMPONENT DEFICIENCY; Hemophilia B; F9 DEFICIENCY; FACTOR IX DEFICIENCY; Christmas Disease. Identifiers: Orphanet 98879, MedGen C0008533, MeSH D002836, MONDO:0010604, OMIM 306900.

Allele frequency attached by ClinVar (database versions not stated): TOPMed 0.00001.

Submissions (4):

ClinGen Coagulation Factor Deficiency Variant Curation Expert Panel, Clingen
Classification: Likely pathogenic for Hereditary factor IX deficiency disease. Last evaluated: 2024-11-01. Review status: reviewed by expert panel. Criteria: ClinGen CoagFactor ACMG Specifications F9 V1.0.0. Collection method: curation. Allele origin: germline. Inheritance: X-linked inheritance.
Comment: The F9 c.86C>T (p.Thr29Ile) variant is completely absent from gnomAD v2.1.1 and gnomAD v3.1.1 meeting criteria for PM2_Supporting. This missense variant has a REVEL score of 0.659 (>0.6) meeting criteria for PP3. In summary, this variant meets criteria to be classified as likely pathogenic. ACMG/AMP criteria applied, as specified by the Coagulation Factor Deficiency Variant Curation Expert Panel for F9: PS4_Moderate, PP4_Moderate, PP3, PM2_Supporting.

GeneDx
Classification: Uncertain significance. Last evaluated: 2025-10-10. Review status: criteria provided, single submitter. Criteria: GeneDx Variant Classification Process June 2021. Collection method: clinical testing. Allele origin: germline. Not counted in ClinVar's aggregate classification.
Comment: Identified in patients from large cohorts of individuals with hemophilia B, however, zygosity and clinical information were not included (PMID: 29296726, 32766856); In vitro functional assays performed on this variant demonstrate proportionally expressed secreted conformation-specific reporter and secreted total reporter levels, and additional functional evaluations are needed (PMID: 32766856); In silico analysis suggests that this missense variant does not alter protein structure/function; In silico analysis is inconclusive as to whether the variant alters gene splicing. In the absence of RNA/functional studies, the actual effect of this sequence change is unknown.; Not observed at significant frequency in large population cohorts (gnomAD); This variant is associated with the following publications: (PMID: 32766856, 29296726)

Labcorp Genetics (formerly Invitae), Labcorp
Classification: Likely pathogenic for Thrombophilia, X-linked, due to factor 9 defect; Hereditary factor IX deficiency disease. Last evaluated: 2024-03-25. Review status: criteria provided, single submitter. Criteria: Invitae Variant Classification Sherloc (09022015). Collection method: clinical testing. Allele origin: germline. Not counted in ClinVar's aggregate classification.
Comment: This sequence change replaces threonine, which is neutral and polar, with isoleucine, which is neutral and non-polar, at codon 29 of the F9 protein (p.Thr29Ile). This variant is not present in population databases (gnomAD no frequency). This missense change has been observed in individuals with clinical features of hemophilia B (PMID: 29296726; Invitae). ClinVar contains an entry for this variant (Variation ID: 2138734). An algorithm developed to predict the effect of missense changes on protein structure and function (PolyPhen-2) suggests that this variant is likely to be tolerated. Experimental studies have shown that this missense change does not substantially affect F9 function (PMID: 32766856). Algorithms developed to predict the effect of sequence changes on RNA splicing suggest that this variant may disrupt the consensus splice site. In summary, the currently available evidence indicates that the variant is pathogenic, but additional data are needed to prove that conclusively. Therefore, this variant has been classified as Likely Pathogenic.

Blueprint Genetics
Classification: Uncertain significance. Last evaluated: 2024-02-05. Review status: criteria provided, single submitter. Criteria: ACMG Guidelines, 2015. Collection method: clinical testing. Allele origin: germline. Not counted in ClinVar's aggregate classification.

Literature cited by the submitters: PubMed 29296726 (cited by Labcorp Genetics (formerly Invitae), Labcorp); PubMed 32766856 (cited by Labcorp Genetics (formerly Invitae), Labcorp).